The following is an entry in ClinVar:

NM_012431.3(SEMA3E):c.1739A>G (p.Asp580Gly)

Gene: SEMA3E (semaphorin 3E; minus strand). Cytogenetic location: 7q21.11.
Variant type: single nucleotide variant.
Coding change: c.1739A>G on transcript NM_012431.3 (MANE Select); coding-DNA position 1739, A replaced by G.
Protein change: p.Asp580Gly; replaces aspartic acid 580 with glycine.
Molecular consequence: missense variant.
Genome position (GRCh38, 1-based): chr7:83,385,430, T>C on the plus strand (A>G on the coding strand, the complement: SEMA3E is on the minus strand). VCF-style: chr7-83385430-T-C. GRCh37 (hg19) VCF-style: chr7-83014746-T-C.
Other names: c.1559A>G, p.Asp520Gly (NM_001178129.2); short protein forms D520G, D580G.
Identifiers: ClinVar variation 1198581 (VCV001198581.14), dbSNP rs754158945, ClinGen allele CA4321909.

ClinVar aggregate classification (germline): Conflicting classifications of pathogenicity. Review status: criteria provided, conflicting classifications (1 of 4 stars). 4 submissions from 4 submitters: Uncertain significance (2); Likely benign (1). 1 of the submissions does not count toward it. Last evaluated 2025-12-06.

Conditions:
SEMA3E-related disorder. Also called: SEMA3E-related condition.
CHARGE syndrome (CHARGE). Also called: Hittner Hirsch Kreh syndrome; CHARGE ASSOCIATION--COLOBOMA, HEART ANOMALY, CHOANAL ATRESIA, RETARDATION, GENITAL AND EAR ANOMALIES; Coloboma, heart anomaly, choanal atresia, retardation, genital and ear anomalies; CHARGE association; Hall-Hittner syndrome. Identifiers: Orphanet 138, MedGen C0265354, MONDO:0008965.

Allele frequency attached by ClinVar (database versions not stated): gnomAD exomes 0.00005; ExAC 0.00007; gnomAD 0.00010; TOPMed 0.00011.
gnomAD v4.1: 62 of 1,613,144 alleles (0.0038%); highest among the groups gnomAD compares: Admixed American, 0.005%; no homozygotes.

Submissions (4):

Labcorp Genetics (formerly Invitae), Labcorp
Classification: Uncertain significance for CHARGE syndrome. Last evaluated: 2025-12-06. Review status: criteria provided, single submitter. Criteria: Invitae Variant Classification Sherloc (09022015). Collection method: clinical testing. Allele origin: germline.
Comment: This sequence change replaces aspartic acid, which is acidic and polar, with glycine, which is neutral and non-polar, at codon 580 of the SEMA3E protein (p.Asp580Gly). This variant is present in population databases (rs754158945, gnomAD 0.1%), and has an allele count higher than expected for a pathogenic variant. This variant has not been reported in the literature in individuals affected with SEMA3E-related conditions. ClinVar contains an entry for this variant (Variation ID: 1198581). An algorithm developed to predict the effect of missense changes on protein structure and function (PolyPhen-2) suggests that this variant is likely to be tolerated. In summary, the available evidence is currently insufficient to determine the role of this variant in disease. Therefore, it has been classified as a Variant of Uncertain Significance.

Ambry Genetics
Classification: Uncertain significance. Last evaluated: 2025-06-07. Review status: criteria provided, single submitter. Criteria: Ambry Variant Classification Scheme 2023. Collection method: clinical testing. Allele origin: germline.

GeneDx
Classification: Likely benign. Last evaluated: 2021-06-02. Review status: criteria provided, single submitter. Criteria: GeneDx Variant Classification Process June 2021. Collection method: clinical testing. Allele origin: germline. Affected: yes.

PreventionGenetics, part of Exact Sciences
Classification: Likely benign for SEMA3E-related condition. Last evaluated: 2022-03-08. Review status: no assertion criteria provided. Collection method: clinical testing. Allele origin: germline. Not counted in ClinVar's aggregate classification.
Comment: This variant is classified as likely benign based on ACMG/AMP sequence variant interpretation guidelines (Richards et al. 2015 PMID: 25741868, with internal and published modifications).